The following is an entry in ClinVar:

ClinVar aggregate classification (germline): Benign/Likely benign. Review status: criteria provided, multiple submitters, no conflicts (2 of 4 stars). 4 submissions from 4 submitters: Benign (3); Likely benign (1). Last evaluated 2026-01-08.

Allele frequency attached by ClinVar (database versions not stated): gnomAD exomes 0.00044 and 0.00121; ExAC 0.00147; gnomAD 0.00482 and 0.00514; TOPMed 0.00544; 1000 Genomes Project 0.00639; 1000 Genomes Project 30x 0.00703.
gnomAD v4.1: 1,409 of 1,614,160 alleles (0.087%); highest among the groups gnomAD compares: African/African-American, 1.7%; 14 homozygotes.

Submissions (4):

Labcorp Genetics (formerly Invitae), Labcorp
Classification: Benign. Last evaluated: 2026-01-08. Review status: criteria provided, single submitter. Criteria: Invitae Variant Classification Sherloc (09022015). Collection method: clinical testing. Allele origin: germline.

Mayo Clinic Laboratories, Mayo Clinic
Classification: Benign. Last evaluated: 2025-03-24. Review status: criteria provided, single submitter. Criteria: ACMG Guidelines, 2015. Collection method: clinical testing. Allele origin: germline. Observed: 2 variant alleles.
Comment: BS1, BS2, BP4_moderate

Blueprint Genetics
Classification: Likely benign. Last evaluated: 2024-09-18. Review status: criteria provided, single submitter. Criteria: ACMG Guidelines, 2015. Collection method: clinical testing. Allele origin: germline.

Breakthrough Genomics
Classification: Benign. Review status: criteria provided, single submitter. Criteria: ACMG Guidelines, 2015. Collection method: not provided. Allele origin: germline. Inheritance: Autosomal recessive inheritance. Affected: yes.

NM_005559.4(LAMA1):c.8903C>T (p.Thr2968Ile)

Gene: LAMA1 (laminin subunit alpha 1; minus strand). Cytogenetic location: 18p11.31.
Variant type: single nucleotide variant.
Coding change: c.8903C>T on transcript NM_005559.4 (MANE Select); coding-DNA position 8903, C replaced by T.
Protein change: p.Thr2968Ile; replaces threonine 2968 with isoleucine.
Molecular consequence: missense variant.
Genome position (GRCh38, 1-based): chr18:6,943,344, G>A on the plus strand (C>T on the coding strand, the complement: LAMA1 is on the minus strand). VCF-style: chr18-6943344-G-A. GRCh37 (hg19) VCF-style: chr18-6943343-G-A.
Other names: p.Thr2968Ile; short protein forms T2968I.
Identifiers: ClinVar variation 724416 (VCV000724416.13), dbSNP rs202107482, ClinGen allele CA8880304.
Genomic context (GRCh38, chr18:6,943,344, plus strand): 5'-CGGTGTTTGCTTTTGTTAGCTTGAAGAGTGTGCCATTTTCCATCACAGAGCACAGTGGCG[G>A]TTTTGGGCTCATATGCAGCTGTTATCCTGCCAGCACCATTGTTGACATGGAACAAGACCT-3'
Protein context (NP_005550.2, residues 2958-2978): GRITAAYEPK[Thr2968Ile]ATVLCDGKWH